The following is an entry in ClinVar:

ClinVar aggregate classification (germline): Uncertain significance. Review status: criteria provided, multiple submitters, no conflicts (2 of 4 stars). 2 submissions from 2 submitters: Uncertain significance (2). Last evaluated 2022-07-13.

Conditions:
Deficiency of hyaluronoglucosaminidase (MPS9). Also called: Mucopolysaccharidosis type 9; MPS IX; HYALURONIDASE DEFICIENCY. Identifiers: Orphanet 67041, MedGen C1291490, MONDO:0011093, OMIM 601492.

Allele frequency attached by ClinVar (database versions not stated): TOPMed 0.00008; gnomAD 0.00009 and 0.00012; gnomAD exomes 0.00009 and 0.00011; ExAC 0.00016; 1000 Genomes Project 0.00040; 1000 Genomes Project 30x 0.00062.
gnomAD v4.1: 159 of 1,614,188 alleles (0.0099%); highest among the groups gnomAD compares: South Asian, 0.047%; 2 homozygotes.

Submissions (2):

Labcorp Genetics (formerly Invitae), Labcorp
Classification: Uncertain significance for Deficiency of hyaluronoglucosaminidase. Last evaluated: 2022-07-13. Review status: criteria provided, single submitter. Criteria: Invitae Variant Classification Sherloc (09022015). Collection method: clinical testing. Allele origin: germline.
Comment: This sequence change replaces arginine, which is basic and polar, with tryptophan, which is neutral and slightly polar, at codon 401 of the HYAL1 protein (p.Arg401Trp). This variant is present in population databases (rs202067357, gnomAD 0.06%). This variant has not been reported in the literature in individuals affected with HYAL1-related conditions. Algorithms developed to predict the effect of missense changes on protein structure and function (SIFT, PolyPhen-2, Align-GVGD) all suggest that this variant is likely to be tolerated. In summary, the available evidence is currently insufficient to determine the role of this variant in disease. Therefore, it has been classified as a Variant of Uncertain Significance.

Women's Health and Genetics/Laboratory Corporation of America, LabCorp
Classification: Uncertain significance. Last evaluated: 2022-06-14. Review status: criteria provided, single submitter. Criteria: LabCorp Variant Classification Summary - May 2015. Collection method: clinical testing. Allele origin: germline.
Comment: Variant summary: HYAL1 c.1201C>T (p.Arg401Trp) results in a non-conservative amino acid change in the encoded protein sequence. Four of five in-silico tools predict a benign effect of the variant on protein function. The variant allele was found at a frequency of 0.00012 in 282884 control chromosomes (gnomAD, Liu_2021). This frequency is not significantly higher than expected for a pathogenic variant in HYAL1 causing Deficiency Of Hyaluronoglucosaminidase (0.00012 vs 0.0011), allowing no conclusion about variant significance. To our knowledge, no occurrence of c.1201C>T in individuals affected with Deficiency of Hyaluronoglucosaminidase and no experimental evidence demonstrating an impact on protein function has been reported. No clinical diagnostic laboratories have submitted clinical-significance assessments for this variant to ClinVar after 2014. Based on the evidence outlined above, the variant was classified as uncertain significance.

Literature cited by the submitters: PubMed 33942374 (cited by Women's Health and Genetics/Laboratory Corporation of America, LabCorp).

NM_033159.4(HYAL1):c.1201C>T (p.Arg401Trp)

Gene: HYAL1 (hyaluronidase 1; minus strand). Cytogenetic location: 3p21.31.
Variant type: single nucleotide variant.
Coding change: c.1201C>T on transcript NM_033159.4 (MANE Select); coding-DNA position 1201, C replaced by T.
Protein change: p.Arg401Trp; replaces arginine 401 with tryptophan.
Molecular consequence: missense variant. On other transcripts: non-coding transcript variant (1).
Genome position (GRCh38, 1-based): chr3:50,300,590, G>A on the plus strand (C>T on the coding strand, the complement: HYAL1 is on the minus strand). VCF-style: chr3-50300590-G-A. GRCh37 (hg19) VCF-style: chr3-50338021-G-A.
Other names: c.1201C>T, p.Arg401Trp (NM_153281.2); c.1111C>T, p.Arg371Trp (NM_153282.3); c.655C>T, p.Arg219Trp (NM_153283.3); c.424C>T, p.Arg142Trp (NM_153285.3); short protein forms R142W, R219W, R371W, R401W.
Identifiers: ClinVar variation 1698562 (VCV001698562.3), dbSNP rs202067357, ClinGen allele CA2415709.